The following is an entry in ClinVar:

NM_001194998.2(CEP152):c.2388_2389delinsTT (p.Gln797Ter)

Gene: CEP152 (centrosomal protein 152; minus strand). Cytogenetic location: 15q21.1.
Variant type: Indel.
Coding change: c.2388_2389delinsTT on transcript NM_001194998.2 (MANE Select); coding-DNA positions 2388 to 2389, CC replaced by TT.
Protein change: p.Gln797Ter; replaces glutamine 797 with a stop codon.
Molecular consequence: nonsense.
Genome position (GRCh38, 1-based): chr15:48,762,564-48,762,565, GG replaced by AA on the plus strand (CC replaced by TT on the coding strand, the reverse complement: CEP152 is on the minus strand). VCF-style: chr15-48762564-GG-AA. GRCh37 (hg19) VCF-style: chr15-49054761-GG-AA.
Other names: c.2388_2389delinsTT, p.Gln797Ter (NM_014985.4); short protein forms Q797*.
Identifiers: ClinVar variation 2762757 (VCV002762757.3), dbSNP rs2504662186, ClinGen allele CA2697549068.

ClinVar aggregate classification (germline): Pathogenic (1 of 4 stars; one submission).

Submission:

Labcorp Genetics (formerly Invitae), Labcorp
Classification: Pathogenic. Last evaluated: 2023-09-22. Review status: criteria provided, single submitter. Criteria: Invitae Variant Classification Sherloc (09022015). Collection method: clinical testing. Allele origin: germline.
Comment: This sequence change creates a premature translational stop signal (p.Gln797*) in the CEP152 gene. It is expected to result in an absent or disrupted protein product. Loss-of-function variants in CEP152 are known to be pathogenic (PMID: 21131973). Information on the frequency of this variant in the gnomAD database is not available, as this variant may be reported differently in the database. This variant has not been reported in the literature in individuals affected with CEP152-related conditions. For these reasons, this variant has been classified as Pathogenic.

Literature cited by the submitters: PubMed 21131973.